The following is an entry in ClinVar:

ClinVar aggregate classification (germline): Uncertain significance (1 of 4 stars; one submission).

Conditions:
Gorlin syndrome. Also called: Basal cell nevus syndrome; Nevoid Basal Cell Carcinoma Syndrome. Identifiers: Orphanet 377, MedGen C0004779, MONDO:0007187.

Submission:

Labcorp Genetics (formerly Invitae), Labcorp
Classification: Uncertain significance for Gorlin syndrome. Last evaluated: 2021-02-17. Review status: criteria provided, single submitter. Criteria: Invitae Variant Classification Sherloc (09022015). Collection method: clinical testing. Allele origin: germline.
Comment: This variant results in the deletion of exons 5-8 and part of exon 4 (c.474_1084-1delins22) of the PTCH2 gene. It is expected to disrupt RNA splicing. Variants that disrupt the donor or acceptor splice site typically lead to a loss of protein function (PMID: 16199547), however the current clinical and genetic evidence is not sufficient to establish whether loss-of-function variants in PTCH2 cause disease. This variant has not been reported in the literature in individuals with PTCH2-related conditions. In summary, the available evidence is currently insufficient to determine the role of this variant in disease. Therefore, it has been classified as a Variant of Uncertain Significance.

Literature cited by the submitters: PubMed 16199547.

NC_000001.10:g.(?_45295206)_(45297698_?)del

Gene: PTCH2 (patched 2; minus strand). Cytogenetic location: 1p34.1.
Variant type: Deletion.
Identifiers: ClinVar variation 1374410 (VCV001374410.1).